The following is an entry in ClinVar:

NM_000091.5(COL4A3):c.2588A>T (p.His863Leu)

Genes: COL4A3 (collagen type IV alpha 3 chain; plus strand), MFF-DT (MFF divergent transcript; minus strand). Cytogenetic location: 2q36.3.
Variant type: single nucleotide variant.
Coding change: c.2588A>T on transcript NM_000091.5 (MANE Select); coding-DNA position 2588, A replaced by T.
Protein change: p.His863Leu; replaces histidine 863 with leucine.
Molecular consequence: missense variant.
Genome position (GRCh38, 1-based): chr2:227,282,464, A>T. VCF-style: chr2-227282464-A-T. GRCh37 (hg19) VCF-style: chr2-228147180-A-T.
Other names: short protein forms H863L.
Identifiers: ClinVar variation 3586061 (VCV003586061.3).
Genomic context (GRCh38, chr2:227,282,464, plus strand): 5'-TTCCAGGCTTGGATAGATCAGGATTTCCTGGAGAAACTGGATCACCAGGAATTCCAGGTC[A>T]TCAAGGTGAAATGGGACCACTGGGTCAAAGAGGATATCCAGGAAATCCGGGAATTTTAGG-3'
Protein context (NP_000082.2, residues 853-873): GETGSPGIPG[His863Leu]QGEMGPLGQR

ClinVar aggregate classification (germline): Uncertain significance. Review status: criteria provided, multiple submitters, no conflicts (2 of 4 stars). 3 submissions from 3 submitters: Uncertain significance (3). Last evaluated 2025-07-07.

Conditions:
Hematuria, benign familial, 2 (BFH2). Identifiers: MedGen C5830421, MONDO:0958186, OMIM 620320.
Alport syndrome 3b, autosomal recessive. Identifiers: MedGen C5882699, MONDO:0957811, OMIM 620536.
Autosomal dominant Alport syndrome (ATS3A). Also called: ALPORT SYNDROME 3A, AUTOSOMAL DOMINANT; Alport syndrome dominant type; Renal failure and sensorineural hearing loss. Identifiers: Orphanet 63, Orphanet 88918, MedGen C5882663, MONDO:0007086, OMIM 104200.
COL4A3-related disorder. Also called: COL4A3-related condition; COL4A3-Related Disorders.

gnomAD v4.1: 3 of 1,613,990 alleles (0.00019%); highest among the groups gnomAD compares: Non-Finnish European, 0.00025%; no homozygotes.

Submissions (3):

GeneDx
Classification: Uncertain significance. Last evaluated: 2025-07-07. Review status: criteria provided, single submitter. Criteria: GeneDx Variant Classification Process June 2021. Collection method: clinical testing. Allele origin: germline. Affected: yes.
Comment: Not observed at significant frequency in large population cohorts (gnomAD); In silico analysis suggests that this missense variant does not alter protein structure/function; Has not been previously published as pathogenic or benign to our knowledge; Occurs in the triple helical domain at the Y position in the canonical Gly-X-Y repeat; although this variant may have an effect on normal protein folding and function, missense substitution at the Y position is not a common mechanism of disease

PreventionGenetics, part of Exact Sciences
Classification: Uncertain significance for COL4A3-related condition. Last evaluated: 2025-05-22. Review status: criteria provided, single submitter. Criteria: ACMG Guidelines, 2015. Collection method: clinical testing. Allele origin: germline.
Comment: The COL4A3 c.2588A>T variant is predicted to result in the amino acid substitution p.His863Leu. To our knowledge, this variant has not been reported in the literature or in a large population database (gnomAD), indicating this variant is rare. Of note, in multiple vertebrate species a leucine (Leu) is present at the His863 residue. At this time, the clinical significance of this variant is uncertain due to the absence of conclusive functional and genetic evidence.

Fulgent Genetics
Classification: Uncertain significance for Autosomal dominant Alport syndrome; Hematuria, benign familial, 2; Alport syndrome 3b, autosomal recessive. Last evaluated: 2024-01-02. Review status: criteria provided, single submitter. Criteria: ACMG Guidelines, 2015. Collection method: clinical testing. Allele origin: germline.